The following is an entry in ClinVar:

ClinVar aggregate classification (germline): Uncertain significance. Review status: criteria provided, multiple submitters, no conflicts (2 of 4 stars). 2 submissions from 2 submitters: Uncertain significance (2). Last evaluated 2026-03-11.

Conditions:
Developmental and epileptic encephalopathy, 23 (DEE23). Also called: Epileptic encephalopathy, early infantile, 23. Identifiers: Orphanet 411986, MedGen C4014492, MONDO:0014371, OMIM 615859.

Allele frequency attached by ClinVar (database versions not stated): gnomAD exomes 0.00007 and 0.00019; TOPMed 0.00011; gnomAD 0.00012 and 0.00013.
gnomAD v4.1: 284 of 1,549,710 alleles (0.018%); highest among the groups gnomAD compares: Non-Finnish European, 0.024%; no homozygotes.

Submissions (2):

GeneDx
Classification: Uncertain significance. Last evaluated: 2026-03-11. Review status: criteria provided, single submitter. Criteria: GeneDx Variant Classification Process June 2021. Collection method: clinical testing. Allele origin: germline.
Comment: Not observed at significant frequency in large population cohorts (gnomAD); In silico analysis suggests that this missense variant does not alter protein structure/function; Has not been previously published as pathogenic or benign to our knowledge; This variant is associated with the following publications: (PMID: 25356899)

Labcorp Genetics (formerly Invitae), Labcorp
Classification: Uncertain significance for Developmental and epileptic encephalopathy, 23. Last evaluated: 2022-09-13. Review status: criteria provided, single submitter. Criteria: Invitae Variant Classification Sherloc (09022015). Collection method: clinical testing. Allele origin: germline.
Comment: This sequence change replaces threonine, which is neutral and polar, with alanine, which is neutral and non-polar, at codon 933 of the DOCK7 protein (p.Thr933Ala). This variant is present in population databases (rs780996734, gnomAD 0.01%). This missense change has been observed in individual(s) with clinical features of DOCK7-related disease (Invitae). ClinVar contains an entry for this variant (Variation ID: 650132). Algorithms developed to predict the effect of missense changes on protein structure and function are either unavailable or do not agree on the potential impact of this missense change (SIFT: "Deleterious"; PolyPhen-2: "Benign"; Align-GVGD: "Class C0"). In summary, the available evidence is currently insufficient to determine the role of this variant in disease. Therefore, it has been classified as a Variant of Uncertain Significance.

NM_001367561.1(DOCK7):c.2797A>G (p.Thr933Ala)

Gene: DOCK7 (dedicator of cytokinesis 7; minus strand). Cytogenetic location: 1p31.3.
Variant type: single nucleotide variant.
Coding change: c.2797A>G on transcript NM_001367561.1 (MANE Select); coding-DNA position 2797, A replaced by G.
Protein change: p.Thr933Ala; replaces threonine 933 with alanine.
Molecular consequence: missense variant. On other transcripts: intron variant (3).
Genome position (GRCh38, 1-based): chr1:62,545,009, T>C on the plus strand (A>G on the coding strand, the complement: DOCK7 is on the minus strand). VCF-style: chr1-62545009-T-C. GRCh37 (hg19) VCF-style: chr1-63010680-T-C.
Other names: c.2797A>G, p.Thr933Ala (NM_001271999.2, NM_001330614.2); c.2767-1264A>G (NM_001272001.2, NM_001272000.2, NM_033407.4); short protein forms T933A.
Identifiers: ClinVar variation 650132 (VCV000650132.8), dbSNP rs780996734, ClinGen allele CA23744219.
Genomic context (GRCh38, chr1:62,545,009, plus strand): 5'-GTGTTGATTCTGCACTTGGACTGGGGTTGGATCCCCATGGGGCAGCTTTTGGACCACCAG[T>C]GTTAACCCAGGAATTGGAGCGATCTAAACCCTAAGCATATAATAGAAAGCAGTTTGAAAG-3'
Protein context (NP_001354490.1, residues 923-943): GLDRSNSWVN[Thr933Ala]GGPKAAPWGS